The following is an entry in ClinVar:

NM_004055.5(CAPN5):c.28G>A (p.Asp10Asn)

Gene: CAPN5 (calpain 5; plus strand). Cytogenetic location: 11q13.5.
Variant type: single nucleotide variant.
Coding change: c.28G>A on transcript NM_004055.5 (MANE Select); coding-DNA position 28, G replaced by A.
Protein change: p.Asp10Asn; replaces aspartic acid 10 with asparagine.
Molecular consequence: missense variant.
Genome position (GRCh38, 1-based): chr11:77,084,914, G>A. VCF-style: chr11-77084914-G-A. GRCh37 (hg19) VCF-style: chr11-76795960-G-A.
Other names: short protein forms D10N.
Identifiers: ClinVar variation 2038127 (VCV002038127.4), dbSNP rs782200952, ClinGen allele CA381926543.

ClinVar aggregate classification (germline): Uncertain significance (1 of 4 stars; one submission).

gnomAD v4.1: 2 of 1,614,076 alleles (0.00012%); highest among the groups gnomAD compares: Non-Finnish European, 0.00017%; no homozygotes.

Submission:

Labcorp Genetics (formerly Invitae), Labcorp
Classification: Uncertain significance. Last evaluated: 2022-06-04. Review status: criteria provided, single submitter. Criteria: Invitae Variant Classification Sherloc (09022015). Collection method: clinical testing. Allele origin: germline.
Comment: This sequence change replaces aspartic acid, which is acidic and polar, with asparagine, which is neutral and polar, at codon 10 of the CAPN5 protein (p.Asp10Asn). This variant is not present in population databases (gnomAD no frequency). This variant has not been reported in the literature in individuals affected with CAPN5-related conditions. Algorithms developed to predict the effect of missense changes on protein structure and function output the following: SIFT: "Tolerated"; PolyPhen-2: "Benign"; Align-GVGD: "Class C0". The asparagine amino acid residue is found in multiple mammalian species, which suggests that this missense change does not adversely affect protein function. In summary, the available evidence is currently insufficient to determine the role of this variant in disease. Therefore, it has been classified as a Variant of Uncertain Significance.